The following is an entry in ClinVar:

NM_000093.5(COL5A1):c.2897del (p.Pro966fs)

Gene: COL5A1 (collagen type V alpha 1 chain; plus strand). Cytogenetic location: 9q34.3.
Variant type: Deletion.
Coding change: c.2897del on transcript NM_000093.5 (MANE Select); coding-DNA position 2897, one base deleted (C; older notation c.2897delC).
Protein change: p.Pro966fs; shifts the reading frame from proline 966.
Molecular consequence: frameshift variant.
Genome position (GRCh38, 1-based): chr9:134,796,900, C deleted; the last of 6 consecutive C bases (chr9:134,796,895-134,796,900); deleting any one gives the same sequence. VCF-style (leftmost placement, unchanged base first): chr9-134796894-GC-G. GRCh37 (hg19) VCF-style: chr9-137688740-GC-G.
Other names: c.2897delC (NM_000093.4); c.2897del, p.Pro966fs (NM_001278074.1); short protein forms P966fs.
Identifiers: ClinVar variation 529237 (VCV000529237.10), dbSNP rs1179967153, ClinGen allele CA591115690.

ClinVar aggregate classification (germline): Pathogenic. Review status: criteria provided, multiple submitters, no conflicts (2 of 4 stars). 3 submissions from 3 submitters: Pathogenic (3). Last evaluated 2025-12-03.

Conditions:
Ehlers-Danlos syndrome, classic type, 1 (EDSCL1). Also called: Ehlers-Danlos Syndrome, Classic Type, COL5A1-Related; EDS I; Ehlers-Danlos syndrome, type 1; EHLERS-DANLOS SYNDROME, GRAVIS TYPE; EHLERS-DANLOS SYNDROME, SEVERE CLASSIC TYPE. Identifiers: MedGen C0268335, MONDO:0019567, OMIM 130000.
Ehlers-Danlos syndrome (EDS). Identifiers: Orphanet 98249, MedGen C0013720, MONDO:0020066.

Submissions (3):

Labcorp Genetics (formerly Invitae), Labcorp
Classification: Pathogenic for Ehlers-Danlos syndrome, classic type, 1. Last evaluated: 2025-12-03. Review status: criteria provided, single submitter. Criteria: Invitae Variant Classification Sherloc (09022015). Collection method: clinical testing. Allele origin: germline.
Comment: This sequence change creates a premature translational stop signal (p.Pro966Leufs*108) in the COL5A1 gene. It is expected to result in an absent or disrupted protein product. Loss-of-function variants in COL5A1 are known to be pathogenic (PMID: 23587214). This variant is not present in population databases (gnomAD no frequency). This premature translational stop signal has been observed in individual(s) with Ehlers Danlos syndrome (PMID: 35396906). ClinVar contains an entry for this variant (Variation ID: 529237). For these reasons, this variant has been classified as Pathogenic.

Women's Health and Genetics/Laboratory Corporation of America, LabCorp
Classification: Pathogenic for Ehlers-Danlos syndrome. Last evaluated: 2023-08-08. Review status: criteria provided, single submitter. Criteria: LabCorp Variant Classification Summary - May 2015. Collection method: clinical testing. Allele origin: germline.
Comment: Variant summary: COL5A1 c.2897delC (p.Pro966LeufsX108) results in a premature termination codon, predicted to cause a truncation of the encoded protein or absence of the protein due to nonsense mediated decay, which are commonly known mechanisms for disease. The variant was absent in 250906 control chromosomes (gnomAD). c.2897delC has been reported in the literature in at least one individual affected with Ehlers-Danlos Syndrome (e.g., Lavanya_2021). These data suggest the variant is very likely to be associated with disease. The following publication was ascertained in the context of this evaluation (PMID: 35396906). Two submitters have reported clinical-significance assessments for this variant to ClinVar after 2014. Both submitters classified the variant as pathogenic. Based on the evidence outlined above, the variant was classified as pathogenic.

GeneDx
Classification: Pathogenic. Last evaluated: 2019-04-22. Review status: criteria provided, single submitter. Criteria: GeneDx Variant Classification Process June 2021. Collection method: clinical testing. Allele origin: germline. Affected: yes.
Comment: Has not been previously reported as pathogenic or benign to our knowledge; Reported in ClinVar as pathogenic (ClinVar Variant ID# 529237; Landrum et al., 2016); Not observed in large population cohorts (Lek et al., 2016); Frameshift variant predicted to result in protein truncation or nonsense mediated decay in a gene for which loss-of-function is a known mechanism of disease; Many other frameshift variants in COL5A1 have been reported in HGMD in association with EDS (Stenson et al., 2014)

Literature cited by the submitters: PubMed 23587214 (cited by Labcorp Genetics (formerly Invitae), Labcorp); PubMed 35396906 (cited by Labcorp Genetics (formerly Invitae), Labcorp and Women's Health and Genetics/Laboratory Corporation of America, LabCorp).